The following is an entry in ClinVar:

NM_004183.4(BEST1):c.1159G>A (p.Ala387Thr)

Gene: BEST1 (bestrophin 1; plus strand). Cytogenetic location: 11q12.3.
Variant type: single nucleotide variant.
Coding change: c.1159G>A on transcript NM_004183.4 (MANE Select); coding-DNA position 1159, G replaced by A.
Protein change: p.Ala387Thr; replaces alanine 387 with threonine.
Molecular consequence: missense variant. On other transcripts: non-coding transcript variant (1).
Genome position (GRCh38, 1-based): chr11:61,962,313, G>A. VCF-style: chr11-61962313-G-A. GRCh37 (hg19) VCF-style: chr11-61729785-G-A.
Other names: c.979G>A, p.Ala327Thr (NM_001139443.3, NM_001300787.2); c.898G>A, p.Ala300Thr (NM_001300786.2); c.841G>A, p.Ala281Thr (NM_001363591.3); c.*54G>A (NM_001363592.2); c.187G>A, p.Ala63Thr (NM_001363593.3); short protein forms A300T, A281T, A387T, A63T, A327T.
Identifiers: ClinVar variation 1483209 (VCV001483209.10), dbSNP rs374772670, ClinGen allele CA6041010.

ClinVar aggregate classification (germline): Conflicting classifications of pathogenicity. Review status: criteria provided, conflicting classifications (1 of 4 stars). 4 submissions from 4 submitters: Uncertain significance (3); Likely benign (1). Last evaluated 2025-09-02.

Conditions:
Inborn genetic diseases. Identifiers: MedGen C0950123, MeSH D030342.
BEST1-related disorder. Also called: BEST1-related condition; BEST1-related disorders. Identifiers: MedGen CN239200.

Allele frequency attached by ClinVar (database versions not stated): gnomAD 0.00001 and 0.00003; gnomAD exomes 0.00001; ExAC 0.00002; TOPMed 0.00003.
gnomAD v4.1: 22 of 1,614,048 alleles (0.0014%); highest among the groups gnomAD compares: Middle Eastern, 0.016%; no homozygotes.

Submissions (4):

Ambry Genetics
Classification: Likely benign for Inborn genetic diseases. Last evaluated: 2025-09-02. Review status: criteria provided, single submitter. Criteria: Ambry Variant Classification Scheme 2023. Collection method: clinical testing. Allele origin: germline.

Labcorp Genetics (formerly Invitae), Labcorp
Classification: Uncertain significance. Last evaluated: 2025-04-11. Review status: criteria provided, single submitter. Criteria: Invitae Variant Classification Sherloc (09022015). Collection method: clinical testing. Allele origin: germline.
Comment: This sequence change replaces alanine, which is neutral and non-polar, with threonine, which is neutral and polar, at codon 387 of the BEST1 protein (p.Ala387Thr). This variant is present in population databases (rs374772670, gnomAD 0.007%). This variant has not been reported in the literature in individuals affected with BEST1-related conditions. ClinVar contains an entry for this variant (Variation ID: 1483209). An algorithm developed to predict the effect of missense changes on protein structure and function outputs the following: PolyPhen-2: "Benign". The threonine amino acid residue is found in multiple mammalian species, which suggests that this missense change does not adversely affect protein function. In summary, the available evidence is currently insufficient to determine the role of this variant in disease. Therefore, it has been classified as a Variant of Uncertain Significance.

PreventionGenetics, part of Exact Sciences
Classification: Uncertain significance for BEST1-related condition. Last evaluated: 2025-03-06. Review status: criteria provided, single submitter. Criteria: ACMG Guidelines, 2015. Collection method: clinical testing. Allele origin: germline.
Comment: The BEST1 c.1159G>A variant is predicted to result in the amino acid substitution p.Ala387Thr. To our knowledge, this variant has not been reported in the literature. This variant is reported in 0.0062% of alleles in individuals of African descent in gnomAD. At this time, the clinical significance of this variant is uncertain due to the absence of conclusive functional and genetic evidence.

Blueprint Genetics
Classification: Uncertain significance. Last evaluated: 2024-07-24. Review status: criteria provided, single submitter. Criteria: ACMG Guidelines, 2015. Collection method: clinical testing. Allele origin: germline.